The following is an entry in ClinVar:

NM_014845.6(FIG4):c.670C>T (p.Pro224Ser)

Gene: FIG4 (FIG4 phosphoinositide 5-phosphatase; plus strand). Cytogenetic location: 6q21.
Variant type: single nucleotide variant.
Coding change: c.670C>T on transcript NM_014845.6 (MANE Select); coding-DNA position 670, C replaced by T.
Protein change: p.Pro224Ser; replaces proline 224 with serine.
Molecular consequence: missense variant.
Genome position (GRCh38, 1-based): chr6:109,738,348, C>T. VCF-style: chr6-109738348-C-T. GRCh37 (hg19) VCF-style: chr6-110059551-C-T.
Other names: short protein forms P224S.
Identifiers: ClinVar variation 1709776 (VCV001709776.2), dbSNP rs1339602884, ClinGen allele CA365220537.

ClinVar aggregate classification (germline): Uncertain significance (1 of 4 stars; one submission).

Conditions:
Amyotrophic lateral sclerosis type 11 (ALS11). Identifiers: Orphanet 803, MedGen C2675491, MONDO:0012945, OMIM 612577.

Submission:

MGZ Medical Genetics Center
Classification: Uncertain significance for Amyotrophic lateral sclerosis type 11. Last evaluated: 2022-08-29. Review status: criteria provided, single submitter. Criteria: ACMG Guidelines, 2015. Collection method: clinical testing. Allele origin: germline. Affected: yes. Observed: 2 variant alleles.
Comment: ACMG criteria applied: PM2_SUP